The following is an entry in ClinVar:

NM_012338.4(TSPAN12):c.845G>T (p.Ser282Ile)

Gene: TSPAN12 (tetraspanin 12; minus strand). Cytogenetic location: 7q31.31.
Variant type: single nucleotide variant.
Coding change: c.845G>T on transcript NM_012338.4 (MANE Select); coding-DNA position 845, G replaced by T.
Protein change: p.Ser282Ile; replaces serine 282 with isoleucine.
Molecular consequence: missense variant.
Genome position (GRCh38, 1-based): chr7:120,788,665, C>A on the plus strand (G>T on the coding strand, the complement: TSPAN12 is on the minus strand). VCF-style: chr7-120788665-C-A. GRCh37 (hg19) VCF-style: chr7-120428719-C-A.
Other names: short protein forms S282I.
Identifiers: ClinVar variation 3658771 (VCV003658771.2).

ClinVar aggregate classification (germline): Uncertain significance (1 of 4 stars; one submission).

Submission:

Labcorp Genetics (formerly Invitae), Labcorp
Classification: Uncertain significance. Last evaluated: 2024-07-04. Review status: criteria provided, single submitter. Criteria: Invitae Variant Classification Sherloc (09022015). Collection method: clinical testing. Allele origin: germline.
Comment: This sequence change replaces serine, which is neutral and polar, with isoleucine, which is neutral and non-polar, at codon 282 of the TSPAN12 protein (p.Ser282Ile). This variant is not present in population databases (gnomAD no frequency). This variant has not been reported in the literature in individuals affected with TSPAN12-related conditions. An algorithm developed to predict the effect of missense changes on protein structure and function (PolyPhen-2) suggests that this variant is likely to be tolerated. In summary, the available evidence is currently insufficient to determine the role of this variant in disease. Therefore, it has been classified as a Variant of Uncertain Significance.